The following is an entry in ClinVar:

ClinVar aggregate classification (germline): Uncertain significance (1 of 4 stars; one submission).

Conditions:
Hypertrophic cardiomyopathy 26. Also called: Cardiomyopathy, familial hypertrophic, 26. Identifiers: Orphanet 75249, MedGen C4310749, MONDO:0014883, OMIM 617047.
Distal myopathy with posterior leg and anterior hand involvement. Also called: WILLIAMS DISTAL MYOPATHY. Identifiers: Orphanet 63273, MedGen C3279722, MONDO:0013550, OMIM 614065.
Myofibrillar myopathy 5. Also called: Filaminopathy (type); FILAMINOPATHY, AUTOSOMAL DOMINANT. Identifiers: Orphanet 171445, MedGen C1836050, MONDO:0012289, OMIM 609524.

gnomAD v4.1: 1 of 1,613,402 alleles (0.000062%); highest among the groups gnomAD compares: Non-Finnish European, 0.000085%; no homozygotes.

Submission:

Labcorp Genetics (formerly Invitae), Labcorp
Classification: Uncertain significance for Distal myopathy with posterior leg and anterior hand involvement; Myofibrillar myopathy 5; Hypertrophic cardiomyopathy 26. Last evaluated: 2020-02-20. Review status: criteria provided, single submitter. Criteria: Invitae Variant Classification Sherloc (09022015). Collection method: clinical testing. Allele origin: germline.
Comment: In summary, the available evidence is currently insufficient to determine the role of this variant in disease. Therefore, it has been classified as a Variant of Uncertain Significance. Algorithms developed to predict the effect of missense changes on protein structure and function are either unavailable or do not agree on the potential impact of this missense change (SIFT: "Tolerated"; PolyPhen-2: "Probably Damaging"; Align-GVGD: "Class C0"). This variant has not been reported in the literature in individuals with FLNC-related conditions. This variant is not present in population databases (ExAC no frequency). This sequence change replaces threonine with proline at codon 1563 of the FLNC protein (p.Thr1563Pro). The threonine residue is highly conserved and there is a small physicochemical difference between threonine and proline.

NM_001458.5(FLNC):c.4687A>C (p.Thr1563Pro)

Gene: FLNC (filamin C; plus strand). Cytogenetic location: 7q32.1.
Variant type: single nucleotide variant.
Coding change: c.4687A>C on transcript NM_001458.5 (MANE Select); coding-DNA position 4687, A replaced by C.
Protein change: p.Thr1563Pro; replaces threonine 1563 with proline.
Molecular consequence: missense variant.
Genome position (GRCh38, 1-based): chr7:128,848,667, A>C. VCF-style: chr7-128848667-A-C. GRCh37 (hg19) VCF-style: chr7-128488721-A-C.
Other names: c.4687A>C, p.Thr1563Pro (NM_001127487.2); short protein forms T1563P.
Identifiers: ClinVar variation 1057547 (VCV001057547.10), dbSNP rs1490741362, ClinGen allele CA369202735.